The following is an entry in ClinVar:

NM_133433.4(NIPBL):c.2426C>G (p.Ser809Cys)

Gene: NIPBL (NIPBL cohesin loading factor; plus strand). Cytogenetic location: 5p13.2.
Variant type: single nucleotide variant.
Coding change: c.2426C>G on transcript NM_133433.4 (MANE Select); coding-DNA position 2426, C replaced by G.
Protein change: p.Ser809Cys; replaces serine 809 with cysteine.
Molecular consequence: missense variant.
Genome position (GRCh38, 1-based): chr5:36,985,606, C>G. VCF-style: chr5-36985606-C-G. GRCh37 (hg19) VCF-style: chr5-36985708-C-G.
Other names: c.2426C>G, p.Ser809Cys (NM_001438586.1, NM_015384.5); short protein forms S809C.
Identifiers: ClinVar variation 5006891 (VCV005006891.2).

ClinVar aggregate classification (germline): Uncertain significance (1 of 4 stars; one submission).

Conditions:
Cornelia de Lange syndrome 1 (CDLS1). Also called: TYPUS DEGENERATIVUS AMSTELODAMENSIS; Brachmann de Lange syndrome; NIPBL-Related Cornelia de Lange Syndrome. Identifiers: Orphanet 199, MedGen C4551851, MONDO:0007387, OMIM 122470.

gnomAD v4.1: 1 of 1,613,922 alleles (0.000062%); highest among the groups gnomAD compares: Admixed American, 0.0017%; no homozygotes.

Submission:

Juno Genomics, Hangzhou Juno Genomics, Inc
Classification: Uncertain significance for Cornelia de Lange syndrome 1. Review status: criteria provided, single submitter. Criteria: ACMG Guidelines, 2015. Collection method: clinical testing. Allele origin: germline.
Comment: Absent from controls (or at extremely low frequency if recessive) in Genome Aggregation Database.;Missense variant in a gene that has a low rate of benign missense variation.